The following is an entry in ClinVar:

NM_001184.4(ATR):c.5414G>C (p.Gly1805Ala)

Gene: ATR (ATR serine/threonine kinase; minus strand). Cytogenetic location: 3q23.
Variant type: single nucleotide variant.
Coding change: c.5414G>C on transcript NM_001184.4 (MANE Select); coding-DNA position 5414, G replaced by C.
Protein change: p.Gly1805Ala; replaces glycine 1805 with alanine.
Molecular consequence: missense variant.
Genome position (GRCh38, 1-based): chr3:142,498,741, C>G on the plus strand (G>C on the coding strand, the complement: ATR is on the minus strand). VCF-style: chr3-142498741-C-G. GRCh37 (hg19) VCF-style: chr3-142217583-C-G.
Other names: c.5222G>C, p.Gly1741Ala (NM_001354579.2); short protein forms G1805A, G1741A.
Identifiers: ClinVar variation 3462515 (VCV003462515.1).

ClinVar aggregate classification (germline): Uncertain significance (1 of 4 stars; one submission).

Conditions:
Inborn genetic diseases. Identifiers: MedGen C0950123, MeSH D030342.

gnomAD v4.1: 2 of 1,614,030 alleles (0.00012%); highest among the groups gnomAD compares: Non-Finnish European, 0.00017%; no homozygotes.

Submission:

Ambry Genetics
Classification: Uncertain significance for Inborn genetic diseases. Last evaluated: 2024-08-03. Review status: criteria provided, single submitter. Criteria: Ambry Variant Classification Scheme 2023. Collection method: clinical testing. Allele origin: germline.
Comment: The p.G1805A variant (also known as c.5414G>C), located in coding exon 32 of the ATR gene, results from a G to C substitution at nucleotide position 5414. The glycine at codon 1805 is replaced by alanine, an amino acid with similar properties. This amino acid position is conserved. In addition, the in silico prediction for this alteration is inconclusive. Based on the available evidence, the clinical significance of this variant remains unclear.